The following is an entry in ClinVar:

ClinVar aggregate classification (germline): Pathogenic (1 of 4 stars; one submission).

Submission:

Quest Diagnostics Nichols Institute San Juan Capistrano
Classification: Pathogenic. Last evaluated: 2023-04-29. Review status: criteria provided, single submitter. Criteria: ACMG/ClinGen CNV Guidelines, 2019. Collection method: clinical testing. Allele origin: unknown.
Comment: This deletion encompasses the recurrent deletion interval (BP4-BP5, includes CHRNA7) associated with chromosome 15q13.3 deletion syndrome (OMIM 612001). The syndrome is associated with a broad range of clinical features (Gillentine et al., J Hum Genet. 2018 Jul;63(7):795-801., PMID: 29691480; Lowther et al., Genet Med. 2015 Feb;17(2):149-57. PMID: 25077648; Sharp, et. al, Nat Genet. 2008 Mar;40(3):322-8. PMID: 18278044; Hassfurther et al., Mol Syndromol. 2016 Feb;6(5):222-8. PMID: 26997942; Hoppman-Chaney et al., Clin Genet. 2013 Apr;83(4):345-51., PMID: 22775350). Inheritance from a normal or mildly affected parent has been reported, suggesting incomplete penetrance and variable expressivity. See GeneReviews for additional information and references.

GRCh37/hg19 15q13.1-13.3(chr15:28946433-32446830)x1

Genes: APBA2 (amyloid beta precursor protein binding family A member 2; plus strand), ARHGAP11B (Rho GTPase activating protein 11B), CHRFAM7A (CHRNA7 (exons 5-10) and FAM7A (exons A-E) fusion; minus strand), CHRNA7 (cholinergic receptor nicotinic alpha 7 subunit), ENTREP2 (endosomal transmembrane epsin interactor 2; minus strand) and 11 more. Cytogenetic location: 15q13.1-13.3.
Variant type: copy number loss.
Change: copy number 1 (one copy instead of two) of chr15:28,946,433-32,446,830 (3.50 Mb, GRCh37 coordinates, 1-based), cytogenetic band 15q13.1-13.3.
Identifiers: ClinVar variation 815693 (VCV000815693.2).